The following is an entry in ClinVar:

ClinVar aggregate classification (germline): Uncertain significance (1 of 4 stars; one submission).

Conditions:
Hypertrophic cardiomyopathy 26. Also called: Cardiomyopathy, familial hypertrophic, 26. Identifiers: Orphanet 75249, MedGen C4310749, MONDO:0014883, OMIM 617047.
Myofibrillar myopathy 5. Also called: Filaminopathy (type); FILAMINOPATHY, AUTOSOMAL DOMINANT. Identifiers: Orphanet 171445, MedGen C1836050, MONDO:0012289, OMIM 609524.
Distal myopathy with posterior leg and anterior hand involvement. Also called: WILLIAMS DISTAL MYOPATHY. Identifiers: Orphanet 63273, MedGen C3279722, MONDO:0013550, OMIM 614065.

Allele frequency attached by ClinVar (database versions not stated): gnomAD exomes below 0.00001; TOPMed below 0.00001; gnomAD 0.00001.
gnomAD v4.1: 7 of 1,613,722 alleles (0.00043%); highest among the groups gnomAD compares: South Asian, 0.0011%; no homozygotes.

Submission:

Labcorp Genetics (formerly Invitae), Labcorp
Classification: Uncertain significance for Distal myopathy with posterior leg and anterior hand involvement; Myofibrillar myopathy 5; Hypertrophic cardiomyopathy 26. Last evaluated: 2023-04-24. Review status: criteria provided, single submitter. Criteria: Invitae Variant Classification Sherloc (09022015). Collection method: clinical testing. Allele origin: germline.
Comment: This variant has not been reported in the literature in individuals affected with FLNC-related conditions. This variant is not present in population databases (gnomAD no frequency). This sequence change replaces lysine, which is basic and polar, with asparagine, which is neutral and polar, at codon 1169 of the FLNC protein (p.Lys1169Asn). In summary, the available evidence is currently insufficient to determine the role of this variant in disease. Therefore, it has been classified as a Variant of Uncertain Significance. Advanced modeling of protein sequence and biophysical properties (such as structural, functional, and spatial information, amino acid conservation, physicochemical variation, residue mobility, and thermodynamic stability) has been performed at Invitae for this missense variant, however the output from this modeling did not meet the statistical confidence thresholds required to predict the impact of this variant on FLNC protein function.

NM_001458.5(FLNC):c.3507G>C (p.Lys1169Asn)

Gene: FLNC (filamin C; plus strand). Cytogenetic location: 7q32.1.
Variant type: single nucleotide variant.
Coding change: c.3507G>C on transcript NM_001458.5 (MANE Select); coding-DNA position 3507, G replaced by C.
Protein change: p.Lys1169Asn; replaces lysine 1169 with asparagine.
Molecular consequence: missense variant.
Genome position (GRCh38, 1-based): chr7:128,844,972, G>C. VCF-style: chr7-128844972-G-C. GRCh37 (hg19) VCF-style: chr7-128485026-G-C.
Other names: c.3507G>C, p.Lys1169Asn (NM_001127487.2); short protein forms K1169N.
Identifiers: ClinVar variation 2929600 (VCV002929600.3), dbSNP rs780809885, ClinGen allele CA369197124.
Genomic context (GRCh38, chr7:128,844,972, plus strand): 5'-TCGGCCTGTGTTTGACCCGAGCAAGGTGCGGGCCAGTGGACCGGGCCTGGAGCGCGGCAA[G>C]GTCGGTGAGGCAGCCACCTTCACTGTGGACTGCTCAGAGGCAGGCGAGGCGGAGCTGACC-3'
Protein context (NP_001449.3, residues 1159-1179): RASGPGLERG[Lys1169Asn]VGEAATFTVD